The following is an entry in ClinVar:

ClinVar aggregate classification (germline): Uncertain significance (1 of 4 stars; one submission).

Conditions:
Developmental and epileptic encephalopathy, 36 (DEE36). Also called: Congenital disorder of glycosylation, type Is; Epileptic encephalopathy, early infantile, 36; ALG13-CDG. Identifiers: Orphanet 324422, MedGen C4317295, MONDO:0010472, OMIM 300884.

Allele frequency attached by ClinVar (database versions not stated): gnomAD exomes below 0.00001; TOPMed 0.00001; gnomAD 0.00002.
gnomAD v4.1: 7 of 1,197,006 alleles (0.00058%); highest among the groups gnomAD compares: Middle Eastern, 0.023%; no homozygotes.

Submission:

Labcorp Genetics (formerly Invitae), Labcorp
Classification: Uncertain significance for Developmental and epileptic encephalopathy, 36. Last evaluated: 2021-08-24. Review status: criteria provided, single submitter. Criteria: Invitae Variant Classification Sherloc (09022015). Collection method: clinical testing. Allele origin: germline.
Comment: This sequence change replaces proline with serine at codon 50 of the ALG13 protein (p.Pro50Ser). The proline residue is weakly conserved and there is a moderate physicochemical difference between proline and serine. This variant is not present in population databases (ExAC no frequency). This variant has not been reported in the literature in individuals affected with ALG13-related conditions. Algorithms developed to predict the effect of missense changes on protein structure and function output the following: SIFT: "Deleterious"; PolyPhen-2: "Benign"; Align-GVGD: "Class C0". The serine amino acid residue is found in multiple mammalian species, which suggests that this missense change does not adversely affect protein function. In summary, the available evidence is currently insufficient to determine the role of this variant in disease. Therefore, it has been classified as a Variant of Uncertain Significance.

NM_001099922.3(ALG13):c.148C>T (p.Pro50Ser)

Gene: ALG13 (ALG13 UDP-N-acetylglucosaminyltransferase subunit; plus strand). Cytogenetic location: Xq23.
Variant type: single nucleotide variant.
Coding change: c.148C>T on transcript NM_001099922.3 (MANE Select); coding-DNA position 148, C replaced by T.
Protein change: p.Pro50Ser; replaces proline 50 with serine.
Molecular consequence: missense variant. On other transcripts: 5 prime UTR variant (6), non-coding transcript variant (1), intron variant (5).
Genome position (GRCh38, 1-based): chrX:111,682,198, C>T. VCF-style: chrX-111682198-C-T. GRCh37 (hg19) VCF-style: chrX-110925426-C-T.
Other names: c.148C>T, p.Pro50Ser (NM_001039210.5, NM_001168385.3, NM_001324290.2 and 2 more transcripts); c.-28C>T (NM_001257231.2, NM_001257241.3); c.-165C>T (NM_001257237.2, NM_001257239.3, NM_001257240.3 and 1 more transcripts); c.-127-38C>T (NM_001257234.2, NM_001257230.2, NM_001257235.3 and 2 more transcripts); short protein forms P50S.
Identifiers: ClinVar variation 1007253 (VCV001007253.6), dbSNP rs1461394942, ClinGen allele CA414248268.
Genomic context (GRCh38, chrX:111,682,198, plus strand): 5'-GAGAGCCTTGGTTACAACCGACTTATCCTGCAAATTGGTAGAGGAACGGTGGTACCTGAA[C>T]CCTTCAGTACTGAGTCGTTTACTCTGGATGTTTACAGGTACAAGGATTCCTTGAAAGAAG-3'
Protein context (NP_001093392.1, residues 40-60): QIGRGTVVPE[Pro50Ser]FSTESFTLDV